The following is an entry in ClinVar:

ClinVar aggregate classification (germline): Uncertain significance (1 of 4 stars; one submission).

Submission:

Labcorp Genetics (formerly Invitae), Labcorp
Classification: Uncertain significance. Last evaluated: 2022-06-13. Review status: criteria provided, single submitter. Criteria: Invitae Variant Classification Sherloc (09022015). Collection method: clinical testing. Allele origin: germline.
Comment: In summary, the available evidence is currently insufficient to determine the role of this variant in disease. Therefore, it has been classified as a Variant of Uncertain Significance. Advanced modeling of protein sequence and biophysical properties (such as structural, functional, and spatial information, amino acid conservation, physicochemical variation, residue mobility, and thermodynamic stability) performed at Invitae indicates that this missense variant is expected to disrupt ABCA1 protein function. This variant has not been reported in the literature in individuals affected with ABCA1-related conditions. This variant is not present in population databases (gnomAD no frequency). This sequence change replaces glutamine, which is neutral and polar, with glutamic acid, which is acidic and polar, at codon 597 of the ABCA1 protein (p.Gln597Glu).

NM_005502.4(ABCA1):c.1789C>G (p.Gln597Glu)

Gene: ABCA1 (ATP binding cassette subfamily A member 1; minus strand). Cytogenetic location: 9q31.1.
Variant type: single nucleotide variant.
Coding change: c.1789C>G on transcript NM_005502.4 (MANE Select); coding-DNA position 1789, C replaced by G.
Protein change: p.Gln597Glu; replaces glutamine 597 with glutamic acid.
Molecular consequence: missense variant.
Genome position (GRCh38, 1-based): chr9:104,831,028, G>C on the plus strand (C>G on the coding strand, the complement: ABCA1 is on the minus strand). VCF-style: chr9-104831028-G-C. GRCh37 (hg19) VCF-style: chr9-107593309-G-C.
Other names: short protein forms Q597E.
Identifiers: ClinVar variation 1388666 (VCV001388666.6), dbSNP rs771173591, ClinGen allele CA374323038.